The following is an entry in ClinVar:

NM_001376571.1(MADD):c.1115C>T (p.Pro372Leu)

Gene: MADD (MAP kinase activating death domain; plus strand). Cytogenetic location: 11p11.2.
Variant type: single nucleotide variant.
Coding change: c.1115C>T on transcript NM_001376571.1 (MANE Select); coding-DNA position 1115, C replaced by T.
Protein change: p.Pro372Leu; replaces proline 372 with leucine.
Molecular consequence: missense variant. On other transcripts: non-coding transcript variant (8).
Genome position (GRCh38, 1-based): chr11:47,278,184, C>T. VCF-style: chr11-47278184-C-T. GRCh37 (hg19) VCF-style: chr11-47299735-C-T.
Other names: c.1115C>T, p.Pro372Leu (NM_001376581.1, NM_001376582.1, NM_001376583.1 and 80 more transcripts); c.911C>T, p.Pro304Leu (NM_001376620.1, NM_001376635.1, NM_001376654.1 and 9 more transcripts); c.449C>T, p.Pro150Leu (NM_001376663.1); short protein forms P150L, P304L, P372L.
Identifiers: ClinVar variation 978040 (VCV000978040.5), dbSNP rs147713337, ClinGen allele CA221687144.

ClinVar aggregate classification (germline): Uncertain significance. Review status: criteria provided, multiple submitters, no conflicts (2 of 4 stars). 2 submissions from 2 submitters: Uncertain significance (2). Last evaluated 2024-03-29.

Conditions:
Deeah syndrome. Also called: DEVELOPMENTAL DELAY WITH ENDOCRINE, EXOCRINE, AUTONOMIC, AND HEMATOLOGIC ABNORMALITIES. Identifiers: Orphanet 686495, MedGen C5436579, MONDO:0033561, OMIM 619004.
MADD-related disorder. Also called: MADD-Related Disorders; MADD-related condition.

Allele frequency attached by ClinVar (database versions not stated): gnomAD exomes below 0.00001; TOPMed 0.00001; ESP Exome Variant Server 0.00008.
gnomAD v4.1: 5 of 1,613,922 alleles (0.00031%); highest among the groups gnomAD compares: Non-Finnish European, 0.00042%; no homozygotes.

Submissions (2):

Genomic Medicine Center of Excellence, King Faisal Specialist Hospital and Research Centre
Classification: Uncertain significance for Deeah syndrome. Last evaluated: 2024-03-29. Review status: criteria provided, single submitter. Criteria: ACMG Guidelines, 2015. Collection method: clinical testing. Allele origin: germline.

Undiagnosed Diseases Network, NIH
Classification: Uncertain significance for MADD-related condition. Last evaluated: 2020-07-22. Review status: criteria provided, single submitter. Criteria: ACMG Guidelines, 2015. Collection method: clinical testing. Allele origin: maternal. Inheritance: Autosomal recessive inheritance. Affected: yes. Observed: 1 variant allele, 1 compound heterozygote. Study: Undiagnosed Diseases Network (NIH), UDN.